The following is an entry in ClinVar:

NM_000179.3(MSH6):c.2652dup (p.Lys885Ter)

Gene: MSH6 (mutS homolog 6; plus strand). Cytogenetic location: 2p16.3.
Variant type: Duplication.
Coding change: c.2652dup on transcript NM_000179.3 (MANE Select); coding-DNA position 2652, one base duplicated (T; older notation c.2652dupT).
Protein change: p.Lys885Ter; replaces lysine 885 with a stop codon.
Molecular consequence: nonsense. On other transcripts: non-coding transcript variant (5), intron variant (3).
Genome position (GRCh38, 1-based): chr2:47,800,635, T duplicated. VCF-style (leftmost placement, unchanged base first): chr2-47800634-C-CT. GRCh37 (hg19) VCF-style: chr2-48027773-C-CT.
Other names: c.1746dup, p.Lys583Ter (NM_001406812.1, NM_001406814.1, NM_001406815.1 and 6 more transcripts); c.2658dup, p.Lys887Ter (NM_001406813.1); c.2355dup, p.Lys786Ter (NM_001406818.1, NM_001406819.1, NM_001406820.1 and 10 more transcripts); c.2308+344dup (NM_001406803.1); c.1606+1046dup (NM_001406817.1); c.628-31dup (NM_001407362.1); c.2484dup, p.Lys829Ter (NM_001406826.1); c.2262dup, p.Lys755Ter (NM_001281492.2); and 4 more; short protein forms K755*, K829*, K885*, K917*, K583*, K786*, K859*, K887*.
Identifiers: ClinVar variation 2763042 (VCV002763042.3), dbSNP rs2530685119, ClinGen allele CA2697548130.

ClinVar aggregate classification (germline): Pathogenic (1 of 4 stars; one submission).

Conditions:
Hereditary nonpolyposis colorectal neoplasms. Identifiers: MedGen C0009405, MeSH D003123.

Submission:

Labcorp Genetics (formerly Invitae), Labcorp
Classification: Pathogenic for Hereditary nonpolyposis colorectal neoplasms. Last evaluated: 2024-01-28. Review status: criteria provided, single submitter. Criteria: Invitae Variant Classification Sherloc (09022015). Collection method: clinical testing. Allele origin: germline.
Comment: This sequence change creates a premature translational stop signal (p.Lys885*) in the MSH6 gene. It is expected to result in an absent or disrupted protein product. Loss-of-function variants in MSH6 are known to be pathogenic (PMID: 18269114, 24362816). This variant is not present in population databases (gnomAD no frequency). This premature translational stop signal has been observed in individual(s) with constitutional mismatch repair deficiency syndrome (PMID: 28423363). For these reasons, this variant has been classified as Pathogenic.

Literature cited by the submitters: PubMed 18269114; PubMed 24362816; PubMed 28423363.